The following is an entry in ClinVar:

NM_001267550.2(TTN):c.106349C>G (p.Thr35450Ser)

Genes: TTN (titin; minus strand), TTN-AS1 (TTN antisense RNA 1; plus strand). Cytogenetic location: 2q31.2.
Variant type: single nucleotide variant.
Coding change: c.106349C>G on transcript NM_001267550.2 (MANE Select); coding-DNA position 106349, C replaced by G.
Protein change: p.Thr35450Ser; replaces threonine 35450 with serine.
Molecular consequence: missense variant.
Genome position (GRCh38, 1-based): chr2:178,530,266, G>C on the plus strand (C>G on the coding strand, the complement: TTN is on the minus strand). VCF-style: chr2-178530266-G-C. GRCh37 (hg19) VCF-style: chr2-179394993-G-C.
Other names: c.101426C>G, p.Thr33809Ser (NM_001256850.1); c.79154C>G, p.Thr26385Ser (NM_003319.4); c.98645C>G, p.Thr32882Ser (NM_133378.4); c.79529C>G, p.Thr26510Ser (NM_133432.3); c.79730C>G, p.Thr26577Ser (NM_133437.4); short protein forms T26385S, T26510S, T26577S, T32882S, T33809S, T35450S.
Identifiers: ClinVar variation 1197339 (VCV001197339.11), dbSNP rs371022420, ClinGen allele CA1985126.

ClinVar aggregate classification (germline): Conflicting classifications of pathogenicity. Review status: criteria provided, conflicting classifications (1 of 4 stars). 6 submissions from 6 submitters: Uncertain significance (3); Likely benign (3). Last evaluated 2026-08-17.

Conditions:
Cardiovascular phenotype. Identifiers: MedGen CN230736.
TTN-related disorder. Also called: TTN-related disorders; TTN-related condition; TTN-related disease.

Allele frequency attached by ClinVar (database versions not stated): gnomAD exomes 0.00004; ExAC 0.00005; ESP Exome Variant Server 0.00008; 1000 Genomes Project 30x 0.00016; gnomAD 0.00017; TOPMed 0.00017; 1000 Genomes Project 0.00020.
gnomAD v4.1: 56 of 1,605,462 alleles (0.0035%); highest among the groups gnomAD compares: African/African-American, 0.058%; no homozygotes.

Submissions (6):

PreventionGenetics, part of Exact Sciences
Classification: Uncertain significance for TTN-related condition. Last evaluated: 2026-08-17. Review status: criteria provided, single submitter. Criteria: ACMG Guidelines, 2015. Collection method: clinical testing. Allele origin: germline.
Comment: The TTN c.106349C>G variant is predicted to result in the amino acid substitution p.Thr35450Ser. This variant has been reported in an individual with dilated cardiomyopathy; however, pathogenicity was not established (Table S3, chr2:179394993 in Mazzarotto et al. 2020. PubMed ID: 31983221). This variant is reported in 0.037% of alleles in individuals of African descent in gnomAD. At this time, the clinical significance of this variant is uncertain due to the absence of conclusive functional and genetic evidence.

Molecular Diagnostic Laboratory for Inherited Cardiovascular Disease, Montreal Heart Institute
Classification: Likely benign. Last evaluated: 2026-03-27. Review status: criteria provided, single submitter. Criteria: ACMG Guidelines, 2015. Collection method: clinical testing. Allele origin: germline. Affected: no.
Comment: BS1;BP1

Women's Health and Genetics/Laboratory Corporation of America, LabCorp
Classification: Uncertain significance. Last evaluated: 2021-12-15. Review status: criteria provided, single submitter. Criteria: LabCorp Variant Classification Summary - May 2015. Collection method: clinical testing. Allele origin: germline.
Comment: Variant summary: TTN c.98645C>G (p.Thr32882Ser) results in a conservative amino acid change located in the M-band domain of the encoded protein sequence. Four of four in-silico tools predict a benign effect of the variant on protein function. The variant allele was found at a frequency of 4.5e-05 in 245540 control chromosomes. This frequency is not significantly higher than expected for a pathogenic variant in TTN causing Dilated Cardiomyopathy (4.5e-05 vs 0.00039), allowing no conclusion about variant significance. c.98645C>G has been reported in the literature in individuals affected with Dilated Cardiomyopathy (Mazzarotto_2020). This report does not provide unequivocal conclusions about association of the variant with Dilated Cardiomyopathy. To our knowledge, no experimental evidence demonstrating an impact on protein function has been reported. One clinical diagnostic laboratory has submitted clinical-significance assessments for this variant to ClinVar after 2014 without evidence for independent evaluation. One laboratory classified the variant as likely benign. Based on the evidence outlined above, the variant was classified as uncertain significance.

Revvity Omics, Revvity
Classification: Uncertain significance. Last evaluated: 2020-12-25. Review status: criteria provided, single submitter. Criteria: ACMG Guidelines, 2015. Collection method: clinical testing. Allele origin: germline.

Ambry Genetics
Classification: Likely benign for Cardiovascular phenotype. Last evaluated: 2020-07-23. Review status: criteria provided, single submitter. Criteria: Ambry Variant Classification Scheme 2023. Collection method: clinical testing. Allele origin: germline.

GeneDx
Classification: Likely benign. Last evaluated: 2019-01-16. Review status: criteria provided, single submitter. Criteria: GeneDx Variant Classification Process June 2021. Collection method: clinical testing. Allele origin: germline. Affected: yes.
Comment: This variant is associated with the following publications: (PMID: 31983221)

Literature cited by the submitters: PubMed 31983221 (cited by Women's Health and Genetics/Laboratory Corporation of America, LabCorp).